The following is an entry in ClinVar:

ClinVar aggregate classification (germline): Pathogenic (1 of 4 stars; one submission).

Allele frequency attached by ClinVar (database versions not stated): gnomAD exomes 0.00001.

Submission:

Labcorp Genetics (formerly Invitae), Labcorp
Classification: Pathogenic. Last evaluated: 2023-05-21. Review status: criteria provided, single submitter. Criteria: Invitae Variant Classification Sherloc (09022015). Collection method: clinical testing. Allele origin: germline.
Comment: For these reasons, this variant has been classified as Pathogenic. This variant disrupts a region of the POLH protein in which other variant(s) (p.Asn555Thrfs*30) have been determined to be pathogenic (PMID: 17344931, 18368133, 24130121, 35328096). This suggests that this is a clinically significant region of the protein, and that variants that disrupt it are likely to be disease-causing. This variant has not been reported in the literature in individuals affected with POLH-related conditions. This variant is not present in population databases (gnomAD no frequency). This sequence change creates a premature translational stop signal (p.Ala399Hisfs*46) in the POLH gene. While this is not anticipated to result in nonsense mediated decay, it is expected to disrupt the last 315 amino acid(s) of the POLH protein.

Literature cited by the submitters: PubMed 17344931; PubMed 18368133; PubMed 24130121; PubMed 35328096.

NM_006502.3(POLH):c.1195del (p.Ala399fs)

Gene: POLH (DNA polymerase eta; plus strand). Cytogenetic location: 6p21.1.
Variant type: Deletion.
Coding change: c.1195del on transcript NM_006502.3 (MANE Select); coding-DNA position 1195, one base deleted (G; older notation c.1195delG).
Protein change: p.Ala399fs; shifts the reading frame from alanine 399.
Molecular consequence: frameshift variant.
Genome position (GRCh38, 1-based): chr6:43,610,674, G deleted. VCF-style (leftmost placement, unchanged base first): chr6-43610673-TG-T. GRCh37 (hg19) VCF-style: chr6-43578410-TG-T.
Other names: c.823del, p.Ala275fs (NM_001291969.2); c.1195del, p.Ala399fs (NM_001291970.2); short protein forms A399fs, A275fs.
Identifiers: ClinVar variation 2866570 (VCV002866570.3), dbSNP rs2532502764, ClinGen allele CA2678887970.
Genomic context (GRCh38, chr6:43,610,673, plus strand): 5'-CAGCAGCCTGCGCCGCTGCTGTGCCCTTACCCGCTATGATGCTCACAAGATGAGCCATGA[TG>T]CATTTACTGTCATCAAGAACTGTAATACTTCTGGAATCCAGACAGAATGGTGAGTTCTTT-3'